The following is an entry in ClinVar:

NM_006567.5(FARS2):c.298C>T (p.Gln100Ter)

Genes: FARS2 (phenylalanyl-tRNA synthetase 2, mitochondrial; plus strand), LOC126859565 (CDK7 strongly-dependent group 2 enhancer GRCh37_chr6:5368745-5369944; plus strand). Cytogenetic location: 6p25.1.
Variant type: single nucleotide variant.
Coding change: c.298C>T on transcript NM_006567.5 (MANE Select); coding-DNA position 298, C replaced by T.
Protein change: p.Gln100Ter; replaces glutamine 100 with a stop codon.
Molecular consequence: nonsense. On other transcripts: intron variant (2).
Genome position (GRCh38, 1-based): chr6:5,368,868, C>T. VCF-style: chr6-5368868-C-T. GRCh37 (hg19) VCF-style: chr6-5369101-C-T.
Other names: c.298C>T, p.Gln100Ter (NM_001318872.2, NM_001374875.1, NM_001374876.1 and 5 more transcripts); c.-340-27765C>T (NM_001375260.1); c.-84-35674C>T (NM_001375259.1); c.298C>T (NM_006567.3); short protein forms Q100*.
Identifiers: ClinVar variation 1069067 (VCV001069067.13), dbSNP rs1428625375, ClinGen allele CA362734986.

ClinVar aggregate classification (germline): Pathogenic/Likely pathogenic. Review status: criteria provided, multiple submitters, no conflicts (2 of 4 stars). 3 submissions from 3 submitters: Pathogenic (2); Likely pathogenic (1). Last evaluated 2025-01-27.

Conditions:
Combined oxidative phosphorylation defect type 14. Also called: Combined oxidative phosphorylation deficiency 14. Identifiers: Orphanet 319519, MedGen C4755312, MONDO:0013986, OMIM 614946.
Inborn genetic diseases. Identifiers: MedGen C0950123, MeSH D030342.

gnomAD v4.1: 10 of 1,614,166 alleles (0.00062%); highest among the groups gnomAD compares: Non-Finnish European, 0.00085%; no homozygotes.

Submissions (3):

GeneDx
Classification: Likely pathogenic. Last evaluated: 2025-01-27. Review status: criteria provided, single submitter. Criteria: GeneDx Variant Classification Process June 2021. Collection method: clinical testing. Allele origin: germline. Affected: yes.
Comment: Reported in a patient referred for whole exome sequencing who also harbors an additional missense variant in the FARS2 gene; however, detailed clinical information was not provided (PMID: 33726816); Nonsense variant predicted to result in protein truncation or nonsense mediated decay in a gene for which loss of function is a known mechanism of disease; Not observed at significant frequency in large population cohorts (gnomAD); This variant is associated with the following publications: (PMID: 33726816)

Labcorp Genetics (formerly Invitae), Labcorp
Classification: Pathogenic for Combined oxidative phosphorylation defect type 14. Last evaluated: 2024-01-12. Review status: criteria provided, single submitter. Criteria: Invitae Variant Classification Sherloc (09022015). Collection method: clinical testing. Allele origin: germline.
Comment: This sequence change creates a premature translational stop signal (p.Gln100*) in the FARS2 gene. It is expected to result in an absent or disrupted protein product. Loss-of-function variants in FARS2 are known to be pathogenic (PMID: 22833457). This variant is not present in population databases (gnomAD no frequency). This variant has not been reported in the literature in individuals affected with FARS2-related conditions. ClinVar contains an entry for this variant (Variation ID: 1069067). For these reasons, this variant has been classified as Pathogenic.

Ambry Genetics
Classification: Pathogenic for Inborn genetic diseases. Last evaluated: 2023-05-03. Review status: criteria provided, single submitter. Criteria: Ambry Variant Classification Scheme 2023. Collection method: clinical testing. Allele origin: germline.
Comment: The c.298C>T (p.Q100*) alteration, located in exon 2 (coding exon 1) of the FARS2 gene, consists of a C to T substitution at nucleotide position 298. This changes the amino acid from a glutamine (Q) to a stop codon at amino acid position 100. This alteration is expected to result in loss of function by premature protein truncation or nonsense-mediated mRNA decay. This variant was not reported in population-based cohorts in the Genome Aggregation Database (gnomAD). Based on the available evidence, this alteration is classified as pathogenic.

Literature cited by the submitters: PubMed 22833457 (cited by Labcorp Genetics (formerly Invitae), Labcorp).